The following is an entry in ClinVar:

ClinVar aggregate classification (germline): Uncertain significance (1 of 4 stars; one submission).

Allele frequency attached by ClinVar (database versions not stated): TOPMed below 0.00001; gnomAD 0.00001.

Submission:

Labcorp Genetics (formerly Invitae), Labcorp
Classification: Uncertain significance. Last evaluated: 2021-12-17. Review status: criteria provided, single submitter. Criteria: Invitae Variant Classification Sherloc (09022015). Collection method: clinical testing. Allele origin: germline.
Comment: This sequence change replaces aspartic acid, which is acidic and polar, with asparagine, which is neutral and polar, at codon 549 of the PTPN23 protein (p.Asp549Asn). This variant is not present in population databases (gnomAD no frequency). This variant has not been reported in the literature in individuals affected with PTPN23-related conditions. Algorithms developed to predict the effect of missense changes on protein structure and function are either unavailable or do not agree on the potential impact of this missense change (SIFT: "Tolerated"; PolyPhen-2: "Not Available"; Align-GVGD: "Class C0"). In summary, the available evidence is currently insufficient to determine the role of this variant in disease. Therefore, it has been classified as a Variant of Uncertain Significance.

NM_015466.4(PTPN23):c.1645G>A (p.Asp549Asn)

Gene: PTPN23 (protein tyrosine phosphatase non-receptor type 23; plus strand). Cytogenetic location: 3p21.31.
Variant type: single nucleotide variant.
Coding change: c.1645G>A on transcript NM_015466.4 (MANE Select); coding-DNA position 1645, G replaced by A.
Protein change: p.Asp549Asn; replaces aspartic acid 549 with asparagine.
Molecular consequence: missense variant.
Genome position (GRCh38, 1-based): chr3:47,409,165, G>A. VCF-style: chr3-47409165-G-A. GRCh37 (hg19) VCF-style: chr3-47450655-G-A.
Other names: c.1267G>A, p.Asp423Asn (NM_001304482.2); short protein forms D423N, D549N.
Identifiers: ClinVar variation 1961395 (VCV001961395.5), dbSNP rs1576228386, ClinGen allele CA352554522.